The following is an entry in ClinVar:

NM_000661.5(RPL9):c.564G>T (p.Gln188His)

Gene: RPL9 (ribosomal protein L9; minus strand). Cytogenetic location: 4p14.
Variant type: single nucleotide variant.
Coding change: c.564G>T on transcript NM_000661.5 (MANE Select); coding-DNA position 564, G replaced by T.
Protein change: p.Gln188His; replaces glutamine 188 with histidine.
Molecular consequence: missense variant.
Genome position (GRCh38, 1-based): chr4:39,454,558, C>A on the plus strand (G>T on the coding strand, the complement: RPL9 is on the minus strand). VCF-style: chr4-39454558-C-A. GRCh37 (hg19) VCF-style: chr4-39456178-C-A.
Other names: c.564G>T, p.Gln188His (NM_001024921.4); short protein forms Q188H.
Identifiers: ClinVar variation 2466646 (VCV002466646.4), dbSNP rs748195496, ClinGen allele CA2894208.

ClinVar aggregate classification (germline): Uncertain significance. Review status: criteria provided, multiple submitters, no conflicts (2 of 4 stars). 2 submissions from 2 submitters: Uncertain significance (2). Last evaluated 2025-12-24.

Allele frequency attached by ClinVar (database versions not stated): TOPMed 0.00001; gnomAD 0.00003; gnomAD exomes 0.00005; ExAC 0.00002.

Submissions (2):

Labcorp Genetics (formerly Invitae), Labcorp
Classification: Uncertain significance. Last evaluated: 2025-12-24. Review status: criteria provided, single submitter. Criteria: Invitae Variant Classification Sherloc (09022015). Collection method: clinical testing. Allele origin: germline.
Comment: This sequence change replaces glutamine, which is neutral and polar, with histidine, which is basic and polar, at codon 188 of the RPL9 protein (p.Gln188His). This variant is present in population databases (rs748195496, gnomAD 0.006%). This variant has not been reported in the literature in individuals affected with RPL9-related conditions. ClinVar contains an entry for this variant (Variation ID: 2466646). An algorithm developed to predict the effect of missense changes on protein structure and function (PolyPhen-2) suggests that this variant is likely to be disruptive. In summary, the available evidence is currently insufficient to determine the role of this variant in disease. Therefore, it has been classified as a Variant of Uncertain Significance.

Ambry Genetics
Classification: Uncertain significance. Last evaluated: 2023-01-26. Review status: criteria provided, single submitter. Criteria: Ambry Variant Classification Scheme 2023. Collection method: clinical testing. Allele origin: germline.